The following is an entry in ClinVar:

ClinVar aggregate classification (germline): Uncertain significance (1 of 4 stars; one submission).

Submission:

Labcorp Genetics (formerly Invitae), Labcorp
Classification: Uncertain significance. Last evaluated: 2024-02-22. Review status: criteria provided, single submitter. Criteria: Invitae Variant Classification Sherloc (09022015). Collection method: clinical testing. Allele origin: germline.
Comment: This sequence change replaces valine, which is neutral and non-polar, with alanine, which is neutral and non-polar, at codon 522 of the ARMC9 protein (p.Val522Ala). This variant is not present in population databases (gnomAD no frequency). This variant has not been reported in the literature in individuals affected with ARMC9-related conditions. Experimental studies and prediction algorithms are not available or were not evaluated, and the functional significance of this variant is currently unknown. In summary, the available evidence is currently insufficient to determine the role of this variant in disease. Therefore, it has been classified as a Variant of Uncertain Significance.

NM_001352754.2(ARMC9):c.1565T>C (p.Val522Ala)

Gene: ARMC9 (armadillo repeat containing 9; plus strand). Cytogenetic location: 2q37.1.
Variant type: single nucleotide variant.
Coding change: c.1565T>C on transcript NM_001352754.2 (MANE Select); coding-DNA position 1565, T replaced by C.
Protein change: p.Val522Ala; replaces valine 522 with alanine.
Molecular consequence: missense variant. On other transcripts: non-coding transcript variant (1).
Genome position (GRCh38, 1-based): chr2:231,282,072, T>C. VCF-style: chr2-231282072-T-C. GRCh37 (hg19) VCF-style: chr2-232146785-T-C.
Other names: c.1565T>C, p.Val522Ala (NM_001271466.4, NM_001291656.2, NM_001352755.2 and 3 more transcripts); c.1466T>C, p.Val489Ala (NM_001352757.2, NM_001352758.2); short protein forms V522A, V489A.
Identifiers: ClinVar variation 3642655 (VCV003642655.2).
Genomic context (GRCh38, chr2:231,282,072, plus strand): 5'-AGTATTTGAAAACTTGCAAATAACTGGTTTTTTTCCTCCCCTTAAAGATACAGCCGTATG[T>C]GAATGGAGCTCTGTACAGCATCCTTTCTGTTCCATCCATTCGTGAGGAAGCAAGAGCAAT-3'
Protein context (NP_001339683.2, residues 512-532): GHENHEIQPY[Val522Ala]NGALYSILSV